The following is an entry in ClinVar:

NM_000551.4(VHL):c.558A>C (p.Glu186Asp)

Genes: VHL (von Hippel-Lindau tumor suppressor; plus strand), LOC107303340 (3p25 von Hippel-Lindau tumor suppressor, E3 ubiquitin protein ligase Alu-mediated recombination region; plus strand). Cytogenetic location: 3p25.3.
Variant type: single nucleotide variant.
Coding change: c.558A>C on transcript NM_000551.4 (MANE Select); coding-DNA position 558, A replaced by C.
Protein change: p.Glu186Asp; replaces glutamic acid 186 with aspartic acid.
Molecular consequence: missense variant. On other transcripts: 3 prime UTR variant (1).
Genome position (GRCh38, 1-based): chr3:10,149,881, A>C. VCF-style: chr3-10149881-A-C. GRCh37 (hg19) VCF-style: chr3-10191565-A-C.
Other names: c.*112A>C (NM_001354723.2); c.435A>C, p.Glu145Asp (NM_198156.3); short protein forms E186D, E145D.
Identifiers: ClinVar variation 135407 (VCV000135407.11), dbSNP rs587778744, ClinGen allele CA020484.

ClinVar aggregate classification (germline): Conflicting classifications of pathogenicity. Review status: criteria provided, conflicting classifications (1 of 4 stars). 3 submissions from 3 submitters: Uncertain significance (1); Likely benign (1). 1 of the submissions does not count toward it. Last evaluated 2025-05-29.

Conditions:
Hereditary cancer-predisposing syndrome. Also called: Tumor predisposition; Hereditary neoplastic syndrome; Neoplastic Syndromes, Hereditary; Hereditary Cancer Syndrome. Identifiers: Orphanet 140162, MedGen C0027672, MeSH D009386, MONDO:0015356.
Chuvash polycythemia. Also called: POLYCYTHEMIA, VHL-DEPENDENT. Identifiers: Orphanet 238557, MedGen C1837915, MONDO:0009892, OMIM 263400.
Von Hippel-Lindau syndrome (VHLS). Also called: Von Hippel-Lindau; von Hippel–Lindau syndrome; VHL syndrome. Identifiers: Orphanet 892, MedGen C0019562, MONDO:0008667, OMIM 193300. Disease mechanism: loss of function.

Allele frequency attached by ClinVar (database versions not stated): gnomAD exomes below 0.00001.
gnomAD v4.1: 1 of 1,614,212 alleles (0.000062%); highest among the groups gnomAD compares: East Asian, 0.0022%; no homozygotes.

Submissions (3):

Ambry Genetics
Classification: Likely benign for Hereditary cancer-predisposing syndrome. Last evaluated: 2025-05-29. Review status: criteria provided, single submitter. Criteria: Ambry Variant Classification Scheme 2023. Collection method: clinical testing. Allele origin: germline.

Labcorp Genetics (formerly Invitae), Labcorp
Classification: Uncertain significance for Von Hippel-Lindau syndrome; Chuvash polycythemia. Last evaluated: 2024-11-30. Review status: criteria provided, single submitter. Criteria: Invitae Variant Classification Sherloc (09022015). Collection method: clinical testing. Allele origin: germline.
Comment: This sequence change replaces glutamic acid, which is acidic and polar, with aspartic acid, which is acidic and polar, at codon 186 of the VHL protein (p.Glu186Asp). This variant is not present in population databases (gnomAD no frequency). This variant has not been reported in the literature in individuals affected with VHL-related conditions. ClinVar contains an entry for this variant (Variation ID: 135407). An algorithm developed to predict the effect of missense changes on protein structure and function outputs the following: PolyPhen-2: "Benign". The aspartic acid amino acid residue is found in multiple mammalian species, which suggests that this missense change does not adversely affect protein function. In summary, the available evidence is currently insufficient to determine the role of this variant in disease. Therefore, it has been classified as a Variant of Uncertain Significance.

ITMI
No classification provided. Condition: AllHighlyPenetrant. Last evaluated: 2013-09-19. Review status: no classification provided. Collection method: reference population. Allele origin: germline. Not counted in ClinVar's aggregate classification.
Comment: Please see associated publication for description of ethnicities

Literature cited by the submitters: PubMed 24728327 (cited by Ambry Genetics and ITMI); PubMed 38969834 (cited by Ambry Genetics).